The following is an entry in ClinVar:

ClinVar aggregate classification (germline): Likely benign (1 of 4 stars; one submission).

Allele frequency attached by ClinVar (database versions not stated): gnomAD exomes below 0.00001.
gnomAD v4.1: 1 of 1,611,728 alleles (0.000062%); highest among the groups gnomAD compares: South Asian, 0.0011%; no homozygotes.

Submission:

GeneDx
Classification: Likely benign. Last evaluated: 2018-06-19. Review status: criteria provided, single submitter. Criteria: GeneDx Variant Classification (06012015). Collection method: clinical testing. Allele origin: germline. Affected: yes.
Comment: This variant is considered likely benign or benign based on one or more of the following criteria: it is a conservative change, it occurs at a poorly conserved position in the protein, it is predicted to be benign by multiple in silico algorithms, and/or has population frequency not consistent with disease.

NM_002206.3(ITGA7):c.2004-9A>T

Genes: ITGA7 (integrin subunit alpha 7; minus strand), LOC126861535 (CDK7 strongly-dependent group 2 enhancer GRCh37_chr12:56087579-56088778; plus strand). Cytogenetic location: 12q13.2.
Variant type: single nucleotide variant.
Coding change: c.2004-9A>T on transcript NM_002206.3 (MANE Select); 9 bases into the intron before coding-DNA position 2004, A replaced by T.
Molecular consequence: intron variant.
Genome position (GRCh38, 1-based): chr12:55,694,979, T>A on the plus strand (A>T on the coding strand, the complement: ITGA7 is on the minus strand). VCF-style: chr12-55694979-T-A. GRCh37 (hg19) VCF-style: chr12-56088763-T-A.
Other names: c.1725-9A>T (NM_001144997.2); c.1677-9A>T (NM_001367993.1); c.1665-9A>T (NM_001414035.1); c.1821-9A>T (NM_001414033.1); c.660-9A>T (NM_001367994.1); c.1884-9A>T (NM_001414032.1); c.1917-9A>T (NM_001414031.1); c.1986-9A>T (NM_001374465.1); and 5 more.
Identifiers: ClinVar variation 672171 (VCV000672171.1), dbSNP rs1432930404, ClinGen allele CA605246801.